The following is an entry in ClinVar:

ClinVar aggregate classification (germline): Uncertain significance. Review status: criteria provided, multiple submitters, no conflicts (2 of 4 stars). 2 submissions from 2 submitters: Uncertain significance (2). Last evaluated 2026-06-08.

Allele frequency attached by ClinVar (database versions not stated): gnomAD 0.00003; gnomAD exomes 0.00001.
gnomAD v4.1: 18 of 1,613,694 alleles (0.0011%); highest among the groups gnomAD compares: East Asian, 0.0045%; no homozygotes.

Submissions (2):

Women's Health and Genetics/Laboratory Corporation of America, LabCorp
Classification: Uncertain significance. Last evaluated: 2026-06-08. Review status: criteria provided, single submitter. Criteria: LabCorp Variant Classification Summary - May 2015. Collection method: clinical testing. Allele origin: germline.
Comment: Variant summary: COL7A1 c.5923G>A (p.Glu1975Lys) results in a conservative amino acid change in the encoded protein sequence. Algorithms developed to predict the effect of missense changes on protein structure and function all suggest that this variant is likely to be tolerated. The variant allele was found at a frequency of 4e-06 in 250944 control chromosomes. The available data on variant occurrences in the general population are insufficient to allow any conclusion about variant significance. To our knowledge, no occurrence of c.5923G>A in individuals affected with COL7A1-related conditions and no experimental evidence demonstrating its impact on protein function have been reported. ClinVar contains an entry for this variant (Variation ID: 2080695). Based on the evidence outlined above, the variant was classified as uncertain significance.

Labcorp Genetics (formerly Invitae), Labcorp
Classification: Uncertain significance. Last evaluated: 2025-05-12. Review status: criteria provided, single submitter. Criteria: Invitae Variant Classification Sherloc (09022015). Collection method: clinical testing. Allele origin: germline.
Comment: This sequence change replaces glutamic acid, which is acidic and polar, with lysine, which is basic and polar, at codon 1975 of the COL7A1 protein (p.Glu1975Lys). The frequency data for this variant in the population databases is considered unreliable, as metrics indicate poor data quality at this position in the gnomAD database. This variant has not been reported in the literature in individuals affected with COL7A1-related conditions. ClinVar contains an entry for this variant (Variation ID: 2080695). Invitae Evidence Modeling of protein sequence and biophysical properties (such as structural, functional, and spatial information, amino acid conservation, physicochemical variation, residue mobility, and thermodynamic stability) indicates that this missense variant is not expected to disrupt COL7A1 protein function with a negative predictive value of 95%. In summary, the available evidence is currently insufficient to determine the role of this variant in disease. Therefore, it has been classified as a Variant of Uncertain Significance.

NM_000094.4(COL7A1):c.5923G>A (p.Glu1975Lys)

Gene: COL7A1 (collagen type VII alpha 1 chain; minus strand). Cytogenetic location: 3p21.31.
Variant type: single nucleotide variant.
Coding change: c.5923G>A on transcript NM_000094.4 (MANE Select); coding-DNA position 5923, G replaced by A.
Protein change: p.Glu1975Lys; replaces glutamic acid 1975 with lysine.
Molecular consequence: missense variant.
Genome position (GRCh38, 1-based): chr3:48,575,682, C>T on the plus strand (G>A on the coding strand, the complement: COL7A1 is on the minus strand). VCF-style: chr3-48575682-C-T. GRCh37 (hg19) VCF-style: chr3-48613115-C-T.
Other names: short protein forms E1975K.
Identifiers: ClinVar variation 2080695 (VCV002080695.4), dbSNP rs2229821, ClinGen allele CA73977092.